The following is an entry in ClinVar:

ClinVar aggregate classification (germline): Benign (1 of 4 stars; one submission).

Allele frequency attached by ClinVar (database versions not stated): 1000 Genomes Project 30x 0.00422; TOPMed 0.00448; 1000 Genomes Project 0.00459; gnomAD 0.01089 and 0.01147.
gnomAD v4.1: 1,639 of 152,286 alleles (1.1%); highest among the groups gnomAD compares: Non-Finnish European, 0.8%; 34 homozygotes.

Submission:

GeneDx
Classification: Benign. Last evaluated: 2018-06-16. Review status: criteria provided, single submitter. Criteria: GeneDx Variant Classification (06012015). Collection method: clinical testing. Allele origin: germline. Affected: yes.
Comment: This variant is considered likely benign or benign based on one or more of the following criteria: it is a conservative change, it occurs at a poorly conserved position in the protein, it is predicted to be benign by multiple in silico algorithms, and/or has population frequency not consistent with disease.

NM_000257.4(MYH7):c.3973-249G>A

Gene: MYH7 (myosin heavy chain 7; minus strand). Cytogenetic location: 14q11.2.
Variant type: single nucleotide variant.
Coding change: c.3973-249G>A on transcript NM_000257.4 (MANE Select); 249 bases into the intron before coding-DNA position 3973, G replaced by A.
Molecular consequence: intron variant.
Genome position (GRCh38, 1-based): chr14:23,418,655, C>T on the plus strand (G>A on the coding strand, the complement: MYH7 is on the minus strand). VCF-style: chr14-23418655-C-T. GRCh37 (hg19) VCF-style: chr14-23887864-C-T.
Identifiers: ClinVar variation 677672 (VCV000677672.1), dbSNP rs139852032, ClinGen allele CA257814150.
Genomic context (GRCh38, chr14:23,418,655, plus strand): 5'-GAAAAGCTTCATGGCCATTGGCCCTGAGCTCCTCCCCACACCAGACATGGTCATCATCAC[C>T]GCCATTTTACCTGGCTGGGGAGAGGGAAACAGGCTCAGAAAGGTTAGGGGACTTCCCTAA-3'